The following is an entry in ClinVar:

ClinVar aggregate classification (germline): Conflicting classifications of pathogenicity. Review status: criteria provided, conflicting classifications (1 of 4 stars). 6 submissions from 6 submitters: Uncertain significance (5); Likely benign (1). Last evaluated 2025-11-24.

Conditions:
Hereditary breast ovarian cancer syndrome. Also called: Breast and ovarian cancer; Hereditary breast and ovarian cancer; Hereditary breast and ovarian cancer syndrome; Hereditary breast and/or ovarian cancer syndrome; BRCA1- and BRCA2-Associated Hereditary Breast and Ovarian Cancer; Hereditary breast and ovarian cancer syndrome (HBOC). Identifiers: Orphanet 145, MedGen C0677776, MeSH D061325, MONDO:0003582. Disease mechanism: loss of function.
Hereditary cancer-predisposing syndrome. Also called: Tumor predisposition; Hereditary Cancer Syndrome; Neoplastic Syndromes, Hereditary; Hereditary neoplastic syndrome. Identifiers: Orphanet 140162, MedGen C0027672, MeSH D009386, MONDO:0015356.
Breast-ovarian cancer, familial, susceptibility to, 1 (BROVCA1). Also called: BRCA1 Hereditary Breast and Ovarian Cancer; OVARIAN CANCER, SUSCEPTIBILITY TO. Identifiers: Orphanet 145, MedGen C2676676, MONDO:0011450, OMIM 604370. Disease mechanism: loss of function.

Submissions (6):

Labcorp Genetics (formerly Invitae), Labcorp
Classification: Uncertain significance for Hereditary breast ovarian cancer syndrome. Last evaluated: 2025-11-24. Review status: criteria provided, single submitter. Criteria: Invitae Variant Classification Sherloc (09022015). Collection method: clinical testing. Allele origin: germline.
Comment: This sequence change replaces serine, which is neutral and polar, with arginine, which is basic and polar, at codon 840 of the BRCA1 protein (p.Ser840Arg). This variant is not present in population databases (gnomAD no frequency). This variant has not been reported in the literature in individuals affected with BRCA1-related conditions. ClinVar contains an entry for this variant (Variation ID: 232178). Invitae Evidence Modeling of protein sequence and biophysical properties (such as structural, functional, and spatial information, amino acid conservation, physicochemical variation, residue mobility, and thermodynamic stability) indicates that this missense variant is not expected to disrupt BRCA1 protein function with a negative predictive value of 80%. In summary, the available evidence is currently insufficient to determine the role of this variant in disease. Therefore, it has been classified as a Variant of Uncertain Significance.

Ambry Genetics
Classification: Uncertain significance for Hereditary cancer-predisposing syndrome. Last evaluated: 2024-02-22. Review status: criteria provided, single submitter. Criteria: Ambry Variant Classification Scheme 2023. Collection method: clinical testing. Allele origin: germline.
Comment: The p.S840R variant (also known as c.2518A>C), located in coding exon 9 of the BRCA1 gene, results from an A to C substitution at nucleotide position 2518. The serine at codon 840 is replaced by arginine, an amino acid with dissimilar properties. This amino acid position is poorly conserved in available vertebrate species. In addition, the in silico prediction for this alteration is inconclusive. Based on the available evidence, the clinical significance of this alteration remains unclear.

GeneDx
Classification: Uncertain significance. Last evaluated: 2023-10-04. Review status: criteria provided, single submitter. Criteria: GeneDx Variant Classification Process June 2021. Collection method: clinical testing. Allele origin: germline. Affected: yes.
Comment: Not observed at significant frequency in large population cohorts (gnomAD); In silico analysis supports that this missense variant does not alter protein structure/function; Has not been previously published as pathogenic or benign to our knowledge; Also known as 2637A>C; This variant is associated with the following publications: (PMID: 15343273, 20104584, 31853058, 29884841, 32377563)

All of Us Research Program, National Institutes of Health
Classification: Uncertain significance for Breast-ovarian cancer, familial, susceptibility to, 1. Last evaluated: 2023-04-27. Review status: criteria provided, single submitter. Criteria: ACMG Guidelines, 2015. Collection method: clinical testing. Allele origin: germline. Inheritance: Autosomal dominant inheritance. Observed: 1 variant allele, 1 heterozygote.
Comment: This missense variant replaces serine with arginine at codon 840 of the BRCA1 protein. Computational prediction is inconclusive regarding the impact of this variant on protein structure and function (internally defined REVEL score threshold 0.5 < inconclusive < 0.7, PMID: 27666373). To our knowledge, functional studies have not been reported for this variant. This variant has not been reported in individuals affected with hereditary cancer in the literature. This variant has not been identified in the general population by the Genome Aggregation Database (gnomAD). The available evidence is insufficient to determine the role of this variant in disease conclusively. Therefore, this variant is classified as a Variant of Uncertain Significance.

This study involves interpretation of variants in research participants for the purpose of population health screening. Participant phenotype was not available at the time of variant classification. Additional details can be found in publication PMID: 35346344, PMCID: PMC8962531

University of Washington Department of Laboratory Medicine, University of Washington
Classification: Likely benign for Hereditary cancer-predisposing syndrome. Last evaluated: 2023-03-23. Review status: criteria provided, single submitter. Criteria: Dines et al. (Genet Med. 2020). Collection method: curation. Allele origin: germline.
Comment: Missense variant in a coldspot region where missense variants are very unlikely to be pathogenic (PMID:31911673).

BRCA1 coldspot (exon 11 using historical exon numbering). Reclassification based on statistical prior probability

Color Diagnostics, LLC DBA Color Health
Classification: Uncertain significance for Hereditary cancer-predisposing syndrome. Last evaluated: 2021-08-12. Review status: criteria provided, single submitter. Criteria: ACMG Guidelines, 2015. Collection method: clinical testing. Allele origin: germline.
Comment: This missense variant replaces serine with arginine at codon 840 of the BRCA1 protein. Computational prediction is inconclusive regarding the impact of this variant on protein structure and function (internally defined REVEL score threshold 0.5 < inconclusive < 0.7, PMID: 27666373). To our knowledge, functional studies have not been reported for this variant. This variant has not been reported in individuals affected with hereditary cancer in the literature. This variant has not been identified in the general population by the Genome Aggregation Database (gnomAD). The available evidence is insufficient to determine the role of this variant in disease conclusively. Therefore, this variant is classified as a Variant of Uncertain Significance.

Literature cited by the submitters: PubMed 20104584 (cited by Ambry Genetics).

NM_007294.4(BRCA1):c.2518A>C (p.Ser840Arg)

Gene: BRCA1 (BRCA1 DNA repair associated; minus strand). Cytogenetic location: 17q21.31.
Variant type: single nucleotide variant.
Coding change: c.2518A>C on transcript NM_007294.4 (MANE Select); coding-DNA position 2518, A replaced by C.
Protein change: p.Ser840Arg; replaces serine 840 with arginine.
Molecular consequence: missense variant. On other transcripts: intron variant (137).
Genome position (GRCh38, 1-based): chr17:43,093,013, T>G on the plus strand (A>C on the coding strand, the complement: BRCA1 is on the minus strand). VCF-style: chr17-43093013-T-G. GRCh37 (hg19) VCF-style: chr17-41245030-T-G.
Other names: c.2305A>C, p.Ser769Arg (NM_001407571.1, NM_001407898.1, NM_001407899.1 and 9 more transcripts); c.2518A>C, p.Ser840Arg (NM_001407581.1, NM_001407582.1, NM_001407583.1 and 30 more transcripts); c.2515A>C, p.Ser839Arg (NM_001407587.1, NM_001407590.1, NM_001407591.1 and 22 more transcripts); c.2509A>C, p.Ser837Arg (NM_001407647.1, NM_001407646.1); c.2395A>C, p.Ser799Arg (NM_001407648.1, NM_001407668.1, NM_001407669.1 and 19 more transcripts); c.2392A>C, p.Ser798Arg (NM_001407649.1, NM_001407670.1, NM_001407671.1 and 11 more transcripts); c.2440A>C, p.Ser814Arg (NM_001407653.1, NM_001407654.1, NM_001407655.1 and 4 more transcripts); c.2377A>C, p.Ser793Arg (NM_001407692.1, NM_001407694.1, NM_001407695.1 and 29 more transcripts); and 41 more; short protein forms S840R, S793R, S672R, S769R, S792R, S799R, S813R, S839R.
Identifiers: ClinVar variation 232178 (VCV000232178.23), dbSNP rs377475866, ClinGen allele CA10580613.
Genomic context (GRCh38, chr17:43,093,013, plus strand): 5'-TATTCTGCAAATACTGAGCATCAAGTTCACTTTCTTCCATTTCTATGCTTGTTTCCCGAC[T>G]GTGGTTAACTTCATGTCCCAATGGATACTTAAAGCCTTCTGTGTCATTTCTATTATCTTT-3'
Protein context (NP_009225.1, residues 830-850): KYPLGHEVNH[Ser840Arg]RETSIEMEES